The following is an entry in ClinVar:

ClinVar aggregate classification (germline): Likely pathogenic (1 of 4 stars; one submission).

Conditions:
Gaucher disease. Also called: Acute cerebral Gaucher disease; Cerebroside lipidosis syndrome; Gaucher splenomegaly; Sphingolipidosis 1; Glucocerebrosidosis; Glucosylceramidase deficiency. Identifiers: Orphanet 355, MedGen C0017205, MONDO:0018150.

Submission:

Natera, Inc.
Classification: Likely pathogenic for Gaucher disease. Last evaluated: 2025-12-04. Review status: criteria provided, single submitter. Criteria: Natera Variant Classification Schema (03/2026). Collection method: clinical testing. Allele origin: germline.
Comment: The c.325C>T variant in GBA1 is a nonsense variant predicted to introduce a stop codon at amino acid 109. This variant is expected to result in nonsense mediated decay, truncation, or a dysfunctional protein product. This variant is rare in the general population with a frequency below the threshold expected for the associated phenotype(s). Given the available evidence, this variant is classified as Likely Pathogenic.

NM_000157.4(GBA1):c.325C>T (p.Gln109Ter)

Genes: GBA1 (glucosylceramidase beta 1; minus strand), LOC106627981 (GBA recombination region; plus strand). Cytogenetic location: 1q22.
Variant type: single nucleotide variant.
Coding change: c.325C>T on transcript NM_000157.4 (MANE Select); coding-DNA position 325, C replaced by T.
Protein change: p.Gln109Ter; replaces glutamine 109 with a stop codon.
Molecular consequence: nonsense. On other transcripts: intron variant (1).
Genome position (GRCh38, 1-based): chr1:155,239,745, G>A on the plus strand (C>T on the coding strand, the complement: GBA1 is on the minus strand). VCF-style: chr1-155239745-G-A. GRCh37 (hg19) VCF-style: chr1-155209536-G-A.
Other names: c.325C>T, p.Gln109Ter (NM_001005741.3, NM_001005742.3); c.64C>T, p.Gln22Ter (NM_001171811.2); c.307+141C>T (NM_001171812.2); short protein forms Q109*, Q22*.
Identifiers: ClinVar variation 4817749 (VCV004817749.1).
Genomic context (GRCh38, chr1:155,239,745, plus strand): 5'-CAGCAGCATCTGTCATGGCCCCTCCAAATCCCTTCACTTTCTGGAACTTCTGTTCTGGCT[G>A]CAGGGTCAGTAGCAGGCCTGAGGACATCCACAGGGAATAAGGGTATCAGTACCCAGCGGG-3'